The following is an entry in ClinVar:

ClinVar aggregate classification (germline): Uncertain significance (1 of 4 stars; one submission).

Allele frequency attached by ClinVar (database versions not stated): ExAC 0.00001; gnomAD 0.00001; gnomAD exomes 0.00002.
gnomAD v4.1: 30 of 1,614,122 alleles (0.0019%); highest among the groups gnomAD compares: South Asian, 0.033%; 2 homozygotes.

Submission:

Labcorp Genetics (formerly Invitae), Labcorp
Classification: Uncertain significance. Last evaluated: 2025-08-12. Review status: criteria provided, single submitter. Criteria: Invitae Variant Classification Sherloc (09022015). Collection method: clinical testing. Allele origin: germline.
Comment: This sequence change replaces leucine, which is neutral and non-polar, with proline, which is neutral and non-polar, at codon 722 of the SEMA4A protein (p.Leu722Pro). This variant is present in population databases (rs756081306, gnomAD 0.02%). This variant has not been reported in the literature in individuals affected with SEMA4A-related conditions. ClinVar contains an entry for this variant (Variation ID: 2096962). An algorithm developed to predict the effect of missense changes on protein structure and function outputs the following: PolyPhen-2: "Benign". The proline amino acid residue is found in multiple mammalian species, which suggests that this missense change does not adversely affect protein function. In summary, the available evidence is currently insufficient to determine the role of this variant in disease. Therefore, it has been classified as a Variant of Uncertain Significance.

NM_022367.4(SEMA4A):c.2165T>C (p.Leu722Pro)

Gene: SEMA4A (semaphorin 4A; plus strand). Cytogenetic location: 1q22.
Variant type: single nucleotide variant.
Coding change: c.2165T>C on transcript NM_022367.4 (MANE Select); coding-DNA position 2165, T replaced by C.
Protein change: p.Leu722Pro; replaces leucine 722 with proline.
Molecular consequence: missense variant.
Genome position (GRCh38, 1-based): chr1:156,176,876, T>C. VCF-style: chr1-156176876-T-C. GRCh37 (hg19) VCF-style: chr1-156146667-T-C.
Other names: c.2165T>C, p.Leu722Pro (NM_001193300.2, NM_001193301.2, NM_001370567.1); c.1769T>C, p.Leu590Pro (NM_001193302.2); c.1868T>C, p.Leu623Pro (NM_001370568.1); c.1658T>C, p.Leu553Pro (NM_001370569.1, NM_001370571.1); short protein forms L553P, L590P, L623P, L722P.
Identifiers: ClinVar variation 2096962 (VCV002096962.4), dbSNP rs756081306, ClinGen allele CA1155539.